The following is an entry in ClinVar:

ClinVar aggregate classification (germline): Uncertain significance. Review status: criteria provided, multiple submitters, no conflicts (2 of 4 stars). 2 submissions from 2 submitters: Uncertain significance (2). Last evaluated 2025-02-21.

Conditions:
Familial melanoma. Also called: Hereditary melanoma; Hereditary cutaneous melanoma. Identifiers: Orphanet 618, MedGen C1512419, MONDO:0018961.

Submissions (2):

Quest Diagnostics Nichols Institute San Juan Capistrano
Classification: Uncertain significance. Last evaluated: 2025-02-21. Review status: criteria provided, single submitter. Criteria: Quest Diagnostics criteria. Collection method: clinical testing. Allele origin: unknown.
Comment: The CDK4 c.860T>C (p.Phe287Ser) variant has been reported in the published literature in a functional study which demonstrated that this variant had an inconclusive effect on protein function (PMIDs: 31925410 (2020)). This variant has not been reported in large, multi-ethnic general populations (Genome Aggregation Database). Analysis of this variant using bioinformatics tools for the prediction of the effect of amino acid changes on protein structure and function yielded predictions that this variant is benign. Based on the available information, we are unable to determine the clinical significance of this variant.

Labcorp Genetics (formerly Invitae), Labcorp
Classification: Uncertain significance for Familial melanoma. Last evaluated: 2024-11-02. Review status: criteria provided, single submitter. Criteria: Invitae Variant Classification Sherloc (09022015). Collection method: clinical testing. Allele origin: germline.
Comment: This sequence change replaces phenylalanine, which is neutral and non-polar, with serine, which is neutral and polar, at codon 287 of the CDK4 protein (p.Phe287Ser). This variant is not present in population databases (gnomAD no frequency). This variant has not been reported in the literature in individuals affected with CDK4-related conditions. Invitae Evidence Modeling of protein sequence and biophysical properties (such as structural, functional, and spatial information, amino acid conservation, physicochemical variation, residue mobility, and thermodynamic stability) indicates that this missense variant is not expected to disrupt CDK4 protein function with a negative predictive value of 95%. In summary, the available evidence is currently insufficient to determine the role of this variant in disease. Therefore, it has been classified as a Variant of Uncertain Significance.

Literature cited by the submitters: PubMed 31925410 (cited by Quest Diagnostics Nichols Institute San Juan Capistrano).

NM_000075.4(CDK4):c.860T>C (p.Phe287Ser)

Genes: CDK4 (cyclin dependent kinase 4; minus strand), TSPAN31 (tetraspanin 31; plus strand). Cytogenetic location: 12q14.1.
Variant type: single nucleotide variant.
Coding change: c.860T>C on transcript NM_000075.4 (MANE Select); coding-DNA position 860, T replaced by C.
Protein change: p.Phe287Ser; replaces phenylalanine 287 with serine.
Molecular consequence: missense variant. On other transcripts: 3 prime UTR variant (3).
Genome position (GRCh38, 1-based): chr12:57,748,577, A>G on the plus strand (T>C on the coding strand, the complement: CDK4 is on the minus strand). VCF-style: chr12-57748577-A-G. GRCh37 (hg19) VCF-style: chr12-58142360-A-G.
Other names: c.860T>C (NM_000075.3); c.*1287A>G (NM_001330168.2, NM_001330169.2, NM_005981.5); short protein forms F287S.
Identifiers: ClinVar variation 3675906 (VCV003675906.3).